The following is an entry in ClinVar:

NM_005618.4(DLL1):c.1811_1814del (p.Val604fs)

Gene: DLL1 (delta like canonical Notch ligand 1; minus strand). Cytogenetic location: 6q27.
Variant type: Microsatellite.
Coding change: c.1811_1814del on transcript NM_005618.4 (MANE Select); coding-DNA positions 1811 to 1814, 4 bases deleted (TCAG; older notation c.1811_1814delTCAG).
Protein change: p.Val604fs; shifts the reading frame from valine 604.
Molecular consequence: frameshift variant.
Genome position (GRCh38, 1-based): chr6:170,283,465-170,283,468, CTGA deleted on the plus strand (TCAG on the coding strand, the reverse complement: DLL1 is on the minus strand); deleting any 4 consecutive bases within chr6:170,283,465-170,283,472 gives the same sequence; the c. name uses the placement nearest the transcript's 3' end. VCF-style (leftmost placement, unchanged base first): chr6-170283464-GCTGA-G. GRCh37 (hg19) VCF-style: chr6-170592552-GCTGA-G.
Other names: c.1811_1814del (NM_005618.3); short protein forms V604fs.
Identifiers: ClinVar variation 2503482 (VCV002503482.4), dbSNP rs2483346002, ClinGen allele CA2580615822.
Genomic context (GRCh38, chr6:170,283,464, plus strand): 5'-GTGGTCCCCGTGGAAGTCCGCCTTCTTGTTGGTGTTCTTGATCTGCGTGGCCCCGATGAT[GCTGA>G]CTGAGATGTCCTTCTCACGCTGGCAGTTGGCCAGGTTGTTCATGGTCTCCGTCTCCCCCC-3'

ClinVar aggregate classification (germline): Pathogenic/Likely pathogenic. Review status: criteria provided, multiple submitters, no conflicts (2 of 4 stars). 2 submissions from 2 submitters: Pathogenic (1); Likely pathogenic (1). Last evaluated 2026-01-12.

Conditions:
Neurodevelopmental disorder with nonspecific brain abnormalities and with or without seizures. Identifiers: MedGen C5231470, MONDO:0032877, OMIM 618709.

Submissions (2):

GeneDx
Classification: Pathogenic. Last evaluated: 2026-01-12. Review status: criteria provided, single submitter. Criteria: GeneDx Variant Classification Process June 2021. Collection method: clinical testing. Allele origin: germline. Affected: yes.
Comment: Frameshift variant predicted to result in abnormal protein length as the last 120 amino acid(s) are replaced with 114 different amino acid(s), and other similar variants have been reported in HGMD; Not observed at significant frequency in large population cohorts (gnomAD); Has not been previously published as pathogenic or benign to our knowledge

Center for Human Genetics and Genomic Medicine, Uniklinik Rwth Aachen
Classification: Likely pathogenic for Neurodevelopmental disorder with nonspecific brain abnormalities and with or without seizures. Last evaluated: 2023-04-21. Review status: criteria provided, single submitter. Criteria: ACMG Guidelines, 2015. Collection method: clinical testing. Allele origin: unknown. Inheritance: Autosomal dominant inheritance. Affected: yes.
Comment: The variant has not yet been detected in gnomAD. It has not been described in the literature, the dbSNP151 database, or the ClinVar database. Frameshift variants in a phenotype-matching gene (and matching mode of inheritance), where "loss of function" alterations are a known pathomechanism, are very likely to have pathogenetic relevance. Therefore, the variant has been classified as "likely pathogenic".